The following is an entry in ClinVar:

NM_004484.4(GPC3):c.79CCG[7] (p.Pro31_Asp32insProPro)

Gene: GPC3 (glypican 3; minus strand). Cytogenetic location: Xq26.2.
Variant type: Microsatellite.
Coding change: c.79CCG[7] on transcript NM_004484.4 (MANE Select); seven copies in a row of the 3-base unit CCG starting at c.79; the reference has five copies in a row; two copies, 6 bases duplicated.
Protein change: p.Pro31_Asp32insProPro.
Molecular consequence: inframe insertion.
Genome position (GRCh38, 1-based): chrX:133,985,357-133,985,362, CGGCGG duplicated on the plus strand (CCGCCG on the coding strand, the reverse complement: GPC3 is on the minus strand); duplicating any 6 consecutive bases within chrX:133,985,357-133,985,371 gives the same sequence; the position shown is the placement nearest the transcript's 3' end. VCF-style (leftmost placement, unchanged base first): chrX-133985356-C-CCGGCGG. GRCh37 (hg19) VCF-style: chrX-133119383-C-CCGGCGG.
Other names: c.79CCG[7], p.Pro31_Asp32insProPro (NM_001164617.2, NM_001164618.2, NM_001164619.2).
Identifiers: ClinVar variation 1899288 (VCV001899288.5), dbSNP rs749104500, ClinGen allele CA2580612489.

ClinVar aggregate classification (germline): Uncertain significance (1 of 4 stars; one submission).

Conditions:
Wilms tumor 1 (WT1). Also called: Wilms tumor, somatic. Identifiers: Orphanet 654, MedGen CN033288, MONDO:0008679, OMIM 194070.

Submission:

Labcorp Genetics (formerly Invitae), Labcorp
Classification: Uncertain significance for Wilms tumor 1. Last evaluated: 2022-09-07. Review status: criteria provided, single submitter. Criteria: Invitae Variant Classification Sherloc (09022015). Collection method: clinical testing. Allele origin: germline.
Comment: This variant, c.88_93dup, results in the insertion of 2 amino acid(s) of the GPC3 protein (p.Pro30_Pro31dup), but otherwise preserves the integrity of the reading frame. This variant is not present in population databases (gnomAD no frequency). This variant has not been reported in the literature in individuals affected with GPC3-related conditions. In summary, the available evidence is currently insufficient to determine the role of this variant in disease. Therefore, it has been classified as a Variant of Uncertain Significance.